The following is an entry in ClinVar:

NM_000059.4(BRCA2):c.5583del (p.Lys1861_Val1862insTer)

Gene: BRCA2 (BRCA2 DNA repair associated; plus strand). Cytogenetic location: 13q13.1.
Variant type: Deletion.
Coding change: c.5583del on transcript NM_000059.4 (MANE Select); coding-DNA position 5583, one base deleted (A; older notation c.5583delA).
Protein change: p.Lys1861_Val1862insTer.
Molecular consequence: frameshift variant.
Genome position (GRCh38, 1-based): chr13:32,339,938, A deleted; the last of 6 consecutive A bases (chr13:32,339,933-32,339,938); deleting any one gives the same sequence. VCF-style (leftmost placement, unchanged base first): chr13-32339932-TA-T. GRCh37 (hg19) VCF-style: chr13-32914069-TA-T.
Other names: c.5583delA (NM_000059.3).
Identifiers: ClinVar variation 141989 (VCV000141989.14), dbSNP rs397507790, ClinGen allele CA022633.
Genomic context (GRCh38, chr13:32,339,932, plus strand): 5'-AGGGCCACCTGCATTTAGGATAGCCAGTGGTAAAATCGTTTGTGTTTCACATGAAACAAT[TA>T]AAAAAGTGAAAGACATATTTACAGACAGTTTCAGTAAAGTAATTAAGGAAAACAACGAGA-3'

ClinVar aggregate classification (germline): Pathogenic. Review status: reviewed by expert panel (3 of 4 stars). 3 submissions from 3 submitters: Pathogenic (1). 2 of the submissions do not count toward it. Last evaluated 2016-09-08.

Conditions:
Hereditary cancer-predisposing syndrome. Also called: Neoplastic Syndromes, Hereditary; Hereditary Cancer Syndrome; Hereditary neoplastic syndrome; Tumor predisposition. Identifiers: Orphanet 140162, MedGen C0027672, MeSH D009386, MONDO:0015356.
Hereditary breast ovarian cancer syndrome. Also called: Hereditary breast and ovarian cancer syndrome; Hereditary breast and/or ovarian cancer syndrome; BRCA1- and BRCA2-Associated Hereditary Breast and Ovarian Cancer; Hereditary breast and ovarian cancer; Breast and ovarian cancer; Hereditary breast and ovarian cancer syndrome (HBOC). Identifiers: Orphanet 145, MedGen C0677776, MeSH D061325, MONDO:0003582. Disease mechanism: loss of function.
Breast-ovarian cancer, familial, susceptibility to, 2 (BROVCA2). Also called: BRCA2 Hereditary Breast and Ovarian Cancer. Identifiers: Orphanet 145, MedGen C2675520, MONDO:0012933, OMIM 612555. Disease mechanism: loss of function.

Submissions (3):

Evidence-based Network for the Interpretation of Germline Mutant Alleles (ENIGMA)
Classification: Pathogenic for Breast-ovarian cancer, familial, susceptibility to, 2. Last evaluated: 2016-09-08. Review status: reviewed by expert panel. Criteria: ENIGMA BRCA1/2 Classification Criteria (2015). Collection method: curation. Allele origin: germline.
Comment: Variant allele predicted to encode a truncated non-functional protein.

Labcorp Genetics (formerly Invitae), Labcorp
Classification: Pathogenic for Hereditary breast ovarian cancer syndrome. Last evaluated: 2021-03-12. Review status: criteria provided, single submitter. Criteria: Invitae Variant Classification Sherloc (09022015). Collection method: clinical testing. Allele origin: germline. Not counted in ClinVar's aggregate classification.
Comment: For these reasons, this variant has been classified as Pathogenic. This nonsense change has been observed in individual(s) undergoing testing for hereditary breast and ovarian cancer syndrome (PMID: 24830819, 29339979). ClinVar contains an entry for this variant (Variation ID: 141989). This variant is not present in population databases (ExAC no frequency). This sequence change creates a premature translational stop signal (p.Val1862*) in the BRCA2 gene. It is expected to result in an absent or disrupted protein product. Loss-of-function variants in BRCA2 are known to be pathogenic (PMID: 20104584).

Ambry Genetics
Classification: Pathogenic for Hereditary cancer-predisposing syndrome. Last evaluated: 2013-10-02. Review status: criteria provided, single submitter. Criteria: Ambry Autosomal Dominant and X-Linked criteria (10/2015). Collection method: clinical testing. Allele origin: germline. Observed: 1 variant allele. Not counted in ClinVar's aggregate classification.
Comment: Ã¢â‚¬â€¹The c.5583delA (also known as 5811delA) pathogenic mutation, located in coding exon 10 of the BRCA2 gene, results from the deletion of 1 nucleotide causing a translational frameshift with a predicted alternate stop codon. Since frameshifts are typically deleterious in nature, this alteration is interpreted as a disease-causing mutation (ACMG Recommendations for Standards for Interpretation and Reporting of Sequence Variations. Revision 2007. Genet Med. 2008;10:294).

Literature cited by the submitters: PubMed 24830819 (cited by Labcorp Genetics (formerly Invitae), Labcorp); PubMed 29339979 (cited by Labcorp Genetics (formerly Invitae), Labcorp); PubMed 20104584 (cited by Labcorp Genetics (formerly Invitae), Labcorp).